The following is an entry in ClinVar:

NM_000548.5(TSC2):c.2909C>G (p.Ser970Cys)

Gene: TSC2 (TSC complex subunit 2; plus strand). Cytogenetic location: 16p13.3.
Variant type: single nucleotide variant.
Coding change: c.2909C>G on transcript NM_000548.5 (MANE Select); coding-DNA position 2909, C replaced by G.
Protein change: p.Ser970Cys; replaces serine 970 with cysteine.
Molecular consequence: missense variant. On other transcripts: intron variant (9).
Genome position (GRCh38, 1-based): chr16:2,077,669, C>G. VCF-style: chr16-2077669-C-G. GRCh37 (hg19) VCF-style: chr16-2127670-C-G.
Other names: c.2909C>G, p.Ser970Cys (NM_001114382.3); c.2837+1084C>G (NM_021055.3, NM_001370405.1, NM_001363528.2 and 2 more transcripts); c.2726+1084C>G (NM_001318827.2); c.2237+1084C>G (NM_001318831.2); c.2690+1084C>G (NM_001318829.2); c.2870+1084C>G (NM_001318832.2); short protein forms S970C.
Identifiers: ClinVar variation 1053789 (VCV001053789.11), dbSNP rs758447107, ClinGen allele CA042643.
Genomic context (GRCh38, chr16:2,077,669, plus strand): 5'-CCAGACCCCCCAAACAAGGCTTGAATAACTCTCCACCCGTGAAAGAATTCAAGGAGAGCT[C>G]TGCAGCCGAGGCCTTCCGGTGCCGCAGCATCAGTGTGTCTGAACATGTGGTCCGCAGGTA-3'
Protein context (NP_000539.2, residues 960-980): SPPVKEFKES[Ser970Cys]AAEAFRCRSI

ClinVar aggregate classification (germline): Uncertain significance. Review status: criteria provided, multiple submitters, no conflicts (2 of 4 stars). 2 submissions from 2 submitters: Uncertain significance (2). Last evaluated 2024-11-10.

Conditions:
Hereditary cancer-predisposing syndrome. Also called: Hereditary Cancer Syndrome; Tumor predisposition; Hereditary neoplastic syndrome; Neoplastic Syndromes, Hereditary. Identifiers: Orphanet 140162, MedGen C0027672, MeSH D009386, MONDO:0015356.
Tuberous sclerosis 2 (TSC2). Identifiers: Orphanet 805, MedGen C1860707, MONDO:0013199, OMIM 613254.

Allele frequency attached by ClinVar (database versions not stated): ExAC 0.00001.
gnomAD v4.1: 1 of 1,613,130 alleles (0.000062%); highest among the groups gnomAD compares: Non-Finnish European, 0.000085%; no homozygotes.

Submissions (2):

Labcorp Genetics (formerly Invitae), Labcorp
Classification: Uncertain significance for Tuberous sclerosis 2. Last evaluated: 2024-11-10. Review status: criteria provided, single submitter. Criteria: Invitae Variant Classification Sherloc (09022015). Collection method: clinical testing. Allele origin: germline.
Comment: This sequence change replaces serine, which is neutral and polar, with cysteine, which is neutral and slightly polar, at codon 970 of the TSC2 protein (p.Ser970Cys). This variant is not present in population databases (gnomAD no frequency). This variant has not been reported in the literature in individuals affected with TSC2-related conditions. ClinVar contains an entry for this variant (Variation ID: 1053789). Invitae Evidence Modeling of protein sequence and biophysical properties (such as structural, functional, and spatial information, amino acid conservation, physicochemical variation, residue mobility, and thermodynamic stability) indicates that this missense variant is not expected to disrupt TSC2 protein function with a negative predictive value of 95%. In summary, the available evidence is currently insufficient to determine the role of this variant in disease. Therefore, it has been classified as a Variant of Uncertain Significance.

Ambry Genetics
Classification: Uncertain significance for Hereditary cancer-predisposing syndrome. Last evaluated: 2024-10-10. Review status: criteria provided, single submitter. Criteria: Ambry Variant Classification Scheme 2023. Collection method: clinical testing. Allele origin: germline.
Comment: The p.S970C variant (also known as c.2909C>G), located in coding exon 25 of the TSC2 gene, results from a C to G substitution at nucleotide position 2909. The serine at codon 970 is replaced by cysteine, an amino acid with dissimilar properties. This amino acid position is not well conserved in available vertebrate species. In addition, the in silico prediction for this alteration is inconclusive. Based on the available evidence, the clinical significance of this variant remains unclear.